The following is an entry in ClinVar:

ClinVar aggregate classification (germline): Uncertain significance (1 of 4 stars; one submission).

Conditions:
Primary immunodeficiency with post-measles-mumps-rubella vaccine viral infection. Also called: Immunodeficiency 44. Identifiers: Orphanet 431166, MedGen C4225260, MONDO:0014715, OMIM 616636.

Allele frequency attached by ClinVar (database versions not stated): ExAC 0.00001; TOPMed 0.00001; gnomAD exomes 0.00002.

Submission:

Labcorp Genetics (formerly Invitae), Labcorp
Classification: Uncertain significance for Primary immunodeficiency with post-measles-mumps-rubella vaccine viral infection. Last evaluated: 2021-08-31. Review status: criteria provided, single submitter. Criteria: Invitae Variant Classification Sherloc (09022015). Collection method: clinical testing. Allele origin: germline.
Comment: This sequence change replaces glycine with alanine at codon 608 of the STAT2 protein (p.Gly608Ala). The glycine residue is highly conserved and there is a small physicochemical difference between glycine and alanine. This variant is present in population databases (rs746061720, ExAC 0.009%). This variant has not been reported in the literature in individuals affected with STAT2-related conditions. Algorithms developed to predict the effect of missense changes on protein structure and function (SIFT, PolyPhen-2, Align-GVGD) all suggest that this variant is likely to be disruptive. In summary, the available evidence is currently insufficient to determine the role of this variant in disease. Therefore, it has been classified as a Variant of Uncertain Significance.

NM_005419.4(STAT2):c.1823G>C (p.Gly608Ala)

Gene: STAT2 (signal transducer and activator of transcription 2; minus strand). Cytogenetic location: 12q13.3.
Variant type: single nucleotide variant.
Coding change: c.1823G>C on transcript NM_005419.4 (MANE Select); coding-DNA position 1823, G replaced by C.
Protein change: p.Gly608Ala; replaces glycine 608 with alanine.
Molecular consequence: missense variant.
Genome position (GRCh38, 1-based): chr12:56,346,857, C>G on the plus strand (G>C on the coding strand, the complement: STAT2 is on the minus strand). VCF-style: chr12-56346857-C-G. GRCh37 (hg19) VCF-style: chr12-56740641-C-G.
Other names: c.1811G>C, p.Gly604Ala (NM_198332.2); short protein forms G604A, G608A.
Identifiers: ClinVar variation 856173 (VCV000856173.7), dbSNP rs746061720, ClinGen allele CA6630391.